The following is an entry in ClinVar:

ClinVar aggregate classification (germline): Conflicting classifications of pathogenicity. Review status: criteria provided, conflicting classifications (1 of 4 stars). 10 submissions from 10 submitters: Uncertain significance (3); Likely benign (6). 1 of the submissions does not count toward it. Last evaluated 2026-04-17.

Conditions:
ACTN2-related disorder. Also called: ACTN2-related disorders; ACTN2 related condition.
Cardiovascular phenotype. Identifiers: MedGen CN230736.
Primary familial hypertrophic cardiomyopathy (HCM). Identifiers: Orphanet 99739, MedGen C0949658, MeSH D024741, MONDO:0024573. Inheritance: Various modes of inheritance.
Dilated cardiomyopathy 1AA (CMD1AA). Also called: CARDIOMYOPATHY, DILATED, 1AA, WITH OR WITHOUT LEFT VENTRICULAR NONCOMPACTION; CARDIOMYOPATHY, FAMILIAL HYPERTROPHIC, 23, WITH OR WITHOUT LEFT VENTRICULAR NONCOMPACTION; Cardiomyopathy, dilated, 1AA, with or without LVNC. Identifiers: Orphanet 154, MedGen C2677338, MONDO:0012808, OMIM 612158.

Allele frequency attached by ClinVar (database versions not stated): gnomAD exomes 0.00003 and 0.00014; gnomAD 0.00006; ExAC 0.00009; TOPMed 0.00009.
gnomAD v4.1: 62 of 1,613,838 alleles (0.0038%); highest among the groups gnomAD compares: East Asian, 0.11%; no homozygotes.

Submissions (10):

Women's Health and Genetics/Laboratory Corporation of America, LabCorp
Classification: Likely benign. Last evaluated: 2026-04-17. Review status: criteria provided, single submitter. Criteria: LabCorp Variant Classification Summary - May 2015. Collection method: clinical testing. Allele origin: germline.
Comment: Variant summary: ACTN2 c.947T>C (p.Met316Thr) results in a non-conservative amino acid change in the encoded protein sequence. Algorithms developed to predict the effect of missense changes on protein structure and function are either unavailable or do not agree on the potential impact of this missense change. The variant allele was found at a frequency of 0.00014 in 251474 control chromosomes. The observed variant frequency exceeds the estimated maximal expected allele frequency for disease-causing variants in ACTN2. To our knowledge, no occurrence of c.947T>C in individuals affected with ACTN2-related conditions and no experimental evidence demonstrating its impact on protein function have been reported. ClinVar contains an entry for this variant (Variation ID: 296502). Based on the evidence outlined above, the variant was classified as likely benign.

Labcorp Genetics (formerly Invitae), Labcorp
Classification: Likely benign for Primary familial hypertrophic cardiomyopathy; Dilated cardiomyopathy 1AA. Last evaluated: 2026-01-05. Review status: criteria provided, single submitter. Criteria: Invitae Variant Classification Sherloc (09022015). Collection method: clinical testing. Allele origin: germline.

Blueprint Genetics
Classification: Likely benign. Last evaluated: 2024-10-30. Review status: criteria provided, single submitter. Criteria: ACMG Guidelines, 2015. Collection method: clinical testing. Allele origin: germline.

Revvity Omics, Revvity
Classification: Uncertain significance. Last evaluated: 2024-10-28. Review status: criteria provided, single submitter. Criteria: ACMG Guidelines, 2015. Collection method: clinical testing. Allele origin: germline.

CeGaT Center for Human Genetics Tuebingen
Classification: Likely benign. Last evaluated: 2023-11-01. Review status: criteria provided, single submitter. Criteria: CeGaT Center For Human Genetics Tuebingen Variant Classification Criteria Version 2. Collection method: clinical testing. Allele origin: germline. Affected: yes. Observed: 1 variant allele.
Comment: ACTN2: BS1

Ambry Genetics
Classification: Likely benign for Cardiovascular phenotype. Last evaluated: 2021-09-02. Review status: criteria provided, single submitter. Criteria: Ambry Variant Classification Scheme 2023. Collection method: clinical testing. Allele origin: germline.

GeneDx
Classification: Likely benign. Last evaluated: 2021-06-24. Review status: criteria provided, single submitter. Criteria: GeneDx Variant Classification Process June 2021. Collection method: clinical testing. Allele origin: germline. Affected: yes.

Illumina Laboratory Services, Illumina
Classification: Uncertain significance for Dilated cardiomyopathy 1AA. Last evaluated: 2018-01-13. Review status: criteria provided, single submitter. Criteria: ICSL Variant Classification Criteria 13 December 2019. Collection method: clinical testing. Allele origin: germline.

Stanford Center for Inherited Cardiovascular Disease, Stanford University
Classification: Uncertain significance. Last evaluated: 2016-09-06. Review status: criteria provided, single submitter. Criteria: ACMG Guidelines, 2015. Collection method: provider interpretation. Allele origin: germline.

PreventionGenetics, part of Exact Sciences
Classification: Likely benign for ACTN2-related condition. Last evaluated: 2020-08-12. Review status: no assertion criteria provided. Collection method: clinical testing. Allele origin: germline. Not counted in ClinVar's aggregate classification.
Comment: This variant is classified as likely benign based on ACMG/AMP sequence variant interpretation guidelines (Richards et al. 2015 PMID: 25741868, with internal and published modifications).

NM_001103.4(ACTN2):c.947T>C (p.Met316Thr)

Gene: ACTN2 (actinin alpha 2; plus strand). Cytogenetic location: 1q43.
Variant type: single nucleotide variant.
Coding change: c.947T>C on transcript NM_001103.4 (MANE Select); coding-DNA position 947, T replaced by C.
Protein change: p.Met316Thr; replaces methionine 316 with threonine.
Molecular consequence: missense variant.
Genome position (GRCh38, 1-based): chr1:236,739,372, T>C. VCF-style: chr1-236739372-T-C. GRCh37 (hg19) VCF-style: chr1-236902672-T-C.
Other names: c.947T>C, p.Met316Thr (NM_001278343.2); c.323T>C, p.Met108Thr (NM_001278344.2); short protein forms M316T, M108T.
Identifiers: ClinVar variation 296502 (VCV000296502.50), dbSNP rs370757762, ClinGen allele CA1473017.
Genomic context (GRCh38, chr1:236,739,372, plus strand): 5'-GGATTCGTCGCACGATCCCCTGGCTGGAGAACCGGACTCCCGAGAAGACCATGCAAGCCA[T>C]GCAGAAGAAGCTGGAGGACTTCCGGGATTACCGCCGGAAGCACAAGCCACCCAAGGTGCA-3'
Protein context (NP_001094.1, residues 306-326): NRTPEKTMQA[Met316Thr]QKKLEDFRDY